The following is an entry in ClinVar:

NM_002458.3(MUC5B):c.13319C>T (p.Pro4440Leu)

Gene: MUC5B (mucin 5B, oligomeric mucus/gel-forming; plus strand). Cytogenetic location: 11p15.5.
Variant type: single nucleotide variant.
Coding change: c.13319C>T on transcript NM_002458.3 (MANE Select); coding-DNA position 13319, C replaced by T.
Protein change: p.Pro4440Leu; replaces proline 4440 with leucine.
Molecular consequence: missense variant.
Genome position (GRCh38, 1-based): chr11:1,250,199, C>T. VCF-style: chr11-1250199-C-T. GRCh37 (hg19) VCF-style: chr11-1271429-C-T.
Other names: short protein forms P4440L.
Identifiers: ClinVar variation 403175 (VCV000403175.6), dbSNP rs2943516, ClinGen allele CA5808286.

ClinVar aggregate classification (germline): Benign. Review status: criteria provided, multiple submitters, no conflicts (2 of 4 stars). 3 submissions from 3 submitters: Benign (3). Last evaluated 2018-11-12.

Allele frequency attached by ClinVar (database versions not stated): ESP Exome Variant Server 0.38796; TOPMed 0.42538; 1000 Genomes Project 0.46705.
gnomAD v4.1: 714,584 of 1,579,942 alleles (45%); highest among the groups gnomAD compares: East Asian, 69%; 162,493 homozygotes.

Submissions (3):

GeneDx
Classification: Benign. Last evaluated: 2018-11-12. Review status: criteria provided, single submitter. Criteria: GeneDx Variant Classification Process June 2021. Collection method: clinical testing. Allele origin: germline. Affected: yes.

Laboratory for Molecular Medicine, Mass General Brigham Personalized Medicine
Classification: Benign. Last evaluated: 2016-03-28. Review status: criteria provided, single submitter. Criteria: LMM Criteria. Collection method: clinical testing. Allele origin: germline.
Comment: Variant identified in a genome or exome case(s) and assessed due to predicted null impact of the variant or pathogenic assertions in the literature or databases. Disclaimer: This variant has not undergone full assessment. The following are preliminary notes: Frequency

Breakthrough Genomics
Classification: Benign. Review status: criteria provided, single submitter. Criteria: ACMG Guidelines, 2015. Collection method: not provided. Allele origin: germline. Inheritance: Autosomal dominant inheritance. Affected: yes.